The following is an entry in ClinVar:

ClinVar aggregate classification (germline): Likely benign. Review status: criteria provided, multiple submitters, no conflicts (2 of 4 stars). 2 submissions from 2 submitters: Likely benign (2). Last evaluated 2025-06-11.

Conditions:
Hereditary breast ovarian cancer syndrome. Also called: BRCA1- and BRCA2-Associated Hereditary Breast and Ovarian Cancer; Hereditary breast and ovarian cancer syndrome (HBOC); Hereditary breast and ovarian cancer syndrome; Hereditary breast and ovarian cancer; Hereditary breast and/or ovarian cancer syndrome; Breast and ovarian cancer. Identifiers: Orphanet 145, MedGen C0677776, MeSH D061325, MONDO:0003582. Disease mechanism: loss of function.

Submissions (2):

Labcorp Genetics (formerly Invitae), Labcorp
Classification: Likely benign for Hereditary breast ovarian cancer syndrome. Last evaluated: 2025-06-11. Review status: criteria provided, single submitter. Criteria: Invitae Variant Classification Sherloc (09022015). Collection method: clinical testing. Allele origin: germline.

Women's Health and Genetics/Laboratory Corporation of America, LabCorp
Classification: Likely benign. Last evaluated: 2022-10-17. Review status: criteria provided, single submitter. Criteria: LabCorp Variant Classification Summary - May 2015. Collection method: clinical testing. Allele origin: germline.
Comment: Variant summary: BRCA1 c.2670G>A alters a non-conserved nucleotide resulting in a synonymous change. 3/4 computational tools predict no significant impact on normal splicing, while 1 predicts a weakening of a cryptic 3' splice acceptor site. However, these predictions have yet to be confirmed by functional studies. The variant was absent in 251008 control chromosomes. The available data on variant occurrences in the general population are insufficient to allow any conclusion about variant significance. To our knowledge, no occurrence of c.2670G>A in individuals affected with Hereditary Breast And Ovarian Cancer Syndrome and no experimental evidence demonstrating its impact on protein function have been reported. No clinical diagnostic laboratories have submitted clinical-significance assessments for this variant to ClinVar after 2014. Based on the evidence outlined above, the variant was classified as likely benign.

NM_007294.4(BRCA1):c.2670G>A (p.Gly890=)

Gene: BRCA1 (BRCA1 DNA repair associated; minus strand). Cytogenetic location: 17q21.31.
Variant type: single nucleotide variant.
Coding change: c.2670G>A on transcript NM_007294.4 (MANE Select); coding-DNA position 2670, G replaced by A.
Protein change: p.Gly890=; no amino-acid change (glycine 890 retained).
Molecular consequence: synonymous variant. On other transcripts: intron variant (137).
Genome position (GRCh38, 1-based): chr17:43,092,861, C>T on the plus strand (G>A on the coding strand, the complement: BRCA1 is on the minus strand). VCF-style: chr17-43092861-C-T. GRCh37 (hg19) VCF-style: chr17-41244878-C-T.
Other names: c.662-1829G>A (NM_001408433.1, NM_001408446.1, NM_001408435.1 and 6 more transcripts); c.785-1829G>A (NM_001408400.1, NM_001408392.1, NM_001407986.1 and 13 more transcripts); c.665-1829G>A (NM_001408441.1, NM_001408437.1, NM_001408429.1 and 12 more transcripts); c.788-1829G>A (NM_001407979.1, NM_001407977.1, NM_001407982.1 and 17 more transcripts); c.647-1829G>A (NM_001408410.1, NM_001408458.1, NM_001408469.1 and 11 more transcripts); c.710-1829G>A (NM_001408415.1, NM_001408412.1, NM_001408409.1 and 2 more transcripts); c.578-1829G>A (NM_001408483.1, NM_001408481.1, NM_001408480.1 and 9 more transcripts); c.2457G>A, p.Gly819= (NM_001407571.1, NM_001407853.1, NM_001407894.1 and 9 more transcripts); and 41 more.
Identifiers: ClinVar variation 1723330 (VCV001723330.6), dbSNP rs786201677, ClinGen allele CA500232311.